The following is an entry in ClinVar:

ClinVar aggregate classification (germline): Pathogenic (1 of 4 stars; one submission).

Conditions:
Intellectual developmental disorder, X-linked 1. Also called: Atkin Flaitz Patil Smith syndrome; MENTAL RETARDATION, X-LINKED 18; MENTAL RETARDATION, X-LINKED 78; Intellectual disability, X-linked 1. Identifiers: Orphanet 777, MedGen C2931498, MONDO:0010656, OMIM 309530.

Submission:

Victorian Clinical Genetics Services, Murdoch Childrens Research Institute
Classification: Pathogenic for Intellectual developmental disorder, X-linked 1. Last evaluated: 2025-12-11. Review status: criteria provided, single submitter. Criteria: ACMG Guidelines, 2015. Collection method: clinical testing. Allele origin: germline. Affected: yes.
Comment: This variant is classified as Pathogenic. Evidence in support of pathogenic classification: Variant is predicted to cause nonsense-mediated decay (NMD) and loss of protein (premature termination codon is located at least 54 nucleotides upstream of the final exon-exon junction); Variant is absent from gnomAD (v2, v3 and v4); Other NMD-predicted variants comparable to the one identified in this case have very strong previous evidence for pathogenicity (DECIPHER); Additional information: This variant is heterozygous; This gene is associated with X-linked disease. Males present with a severe early-onset condition. Females have a more variable phenotype, which tends to be milder with a later onset, but may also be asymptomatic (PMID: 30206421); This variant has no previous evidence of pathogenicity; No published evidence of segregation with disease has been identified for this variant; No published functional evidence has been identified for this variant; Loss of function is a known mechanism of disease in this gene and is associated with X-linked intellectual developmental disorder 1 (MIM#309530).

Literature cited by the submitters: PubMed 30206421.

NM_001111125.3(IQSEC2):c.1028del (p.Gly343fs)

Gene: IQSEC2 (IQ motif and Sec7 domain ArfGEF 2; minus strand). Cytogenetic location: Xp11.22.
Variant type: Deletion.
Coding change: c.1028del on transcript NM_001111125.3 (MANE Select); coding-DNA position 1028, one base deleted (G; older notation c.1028delG).
Protein change: p.Gly343fs; shifts the reading frame from glycine 343.
Molecular consequence: frameshift variant.
Genome position (GRCh38, 1-based): chrX:53,254,903, C deleted on the plus strand (G on the coding strand, the reverse complement: IQSEC2 is on the minus strand); the first of 5 consecutive C bases (chrX:53,254,903-53,254,907); deleting any one gives the same sequence. VCF-style (leftmost placement, unchanged base first): chrX-53254902-GC-G. GRCh37 (hg19) VCF-style: chrX-53284084-GC-G.
Other names: c.1028del, p.Gly343fs (NM_001410736.1, NM_001441092.1); c.530del, p.Gly177fs (NM_001441093.1); c.317del, p.Gly106fs (NM_001441094.1, NM_001441095.1); c.413del, p.Gly138fs (NM_015075.2); short protein forms G106fs, G138fs, G177fs, G343fs.
Identifiers: ClinVar variation 4819050 (VCV004819050.1).